The following is an entry in ClinVar:

ClinVar aggregate classification (germline): Pathogenic (1 of 4 stars; one submission).

Allele frequency attached by ClinVar (database versions not stated): gnomAD 0.00001; ExAC 0.00003.
gnomAD v4.1: 19 of 1,583,718 alleles (0.0012%); highest among the groups gnomAD compares: South Asian, 0.0023%; no homozygotes.

Submission:

Labcorp Genetics (formerly Invitae), Labcorp
Classification: Pathogenic. Last evaluated: 2022-06-28. Review status: criteria provided, single submitter. Criteria: Invitae Variant Classification Sherloc (09022015). Collection method: clinical testing. Allele origin: germline.
Comment: This sequence change creates a premature translational stop signal (p.Arg1389*) in the CPAMD8 gene. It is expected to result in an absent or disrupted protein product. Loss-of-function variants in CPAMD8 are known to be pathogenic (PMID: 27839872, 29556725). The frequency data for this variant in the population databases is considered unreliable, as metrics indicate poor data quality at this position in the gnomAD database. This variant has not been reported in the literature in individuals affected with CPAMD8-related conditions. Algorithms developed to predict the effect of sequence changes on RNA splicing suggest that this variant may create or strengthen a splice site. For these reasons, this variant has been classified as Pathogenic.

Literature cited by the submitters: PubMed 27839872; PubMed 29556725.

NM_015692.5(CPAMD8):c.4024C>T (p.Arg1342Ter)

Gene: CPAMD8 (C3 and PZP like alpha-2-macroglobulin domain containing 8; minus strand). Cytogenetic location: 19p13.11.
Variant type: single nucleotide variant.
Coding change: c.4024C>T on transcript NM_015692.5 (MANE Select); coding-DNA position 4024, C replaced by T.
Protein change: p.Arg1342Ter; replaces arginine 1342 with a stop codon.
Molecular consequence: nonsense.
Genome position (GRCh38, 1-based): chr19:16,906,955, G>A on the plus strand (C>T on the coding strand, the complement: CPAMD8 is on the minus strand). VCF-style: chr19-16906955-G-A. GRCh37 (hg19) VCF-style: chr19-17017765-G-A.
Other names: short protein forms R1342*.
Identifiers: ClinVar variation 2069858 (VCV002069858.1), dbSNP rs770761082, ClinGen allele CA9284764.
Genomic context (GRCh38, chr19:16,906,955, plus strand): 5'-GACTCCACAGTGGGCTTCCCGACGCTGTGGCCTCTGGGGAGGGCCAGGGACACCTACCTC[G>A]CATGATGGCCAGGCTACGGAGCTTGCGCAGTGCCTCAGGGGCTGCCGGGCTGCGGAGCAG-3'